The following is an entry in ClinVar:

NM_000277.3(PAH):c.800A>T (p.Gln267Leu)

Gene: PAH (phenylalanine hydroxylase; minus strand). Cytogenetic location: 12q23.2.
Variant type: single nucleotide variant.
Coding change: c.800A>T on transcript NM_000277.3 (MANE Select); coding-DNA position 800, A replaced by T.
Protein change: p.Gln267Leu; replaces glutamine 267 with leucine.
Molecular consequence: missense variant.
Genome position (GRCh38, 1-based): chr12:102,852,857, T>A on the plus strand (A>T on the coding strand, the complement: PAH is on the minus strand). VCF-style: chr12-102852857-T-A. GRCh37 (hg19) VCF-style: chr12-103246635-T-A.
Other names: NM_000277.2(PAH):c.800A>T; c.800A>T, p.Gln267Leu (NM_001354304.2); short protein forms Q267L.
Identifiers: ClinVar variation 225135 (VCV000225135.8), dbSNP rs778154939, ClinGen allele CA354145.

ClinVar aggregate classification (germline): Uncertain significance. Review status: reviewed by expert panel (3 of 4 stars). 4 submissions from 4 submitters: Uncertain significance (1). 3 of the submissions do not count toward it. Last evaluated 2018-08-10.

Conditions:
Phenylketonuria (PKU). Also called: FOLLING DISEASE; OLIGOPHRENIA PHENYLPYRUVICA; Phenylketonurias; Phenylketonuria (PKU). Identifiers: Orphanet 716, MedGen C0031485, MONDO:0009861, OMIM 261600. Disease mechanism: loss of function.

Allele frequency attached by ClinVar (database versions not stated): gnomAD exomes below 0.00001; ExAC 0.00001.
gnomAD v4.1: 1 of 1,614,074 alleles (0.000062%); highest among the groups gnomAD compares: East Asian, 0.0022%; no homozygotes.

Submissions (4):

ClinGen PAH Variant Curation Expert Panel
Classification: Uncertain significance for Phenylketonuria. Last evaluated: 2018-08-10. Review status: reviewed by expert panel. Criteria: ClinGen PAH ACMG Specifications v1. Collection method: curation. Allele origin: germline. Inheritance: Autosomal recessive inheritance.
Comment: PAH-specific ACMG/AMP criteria applied: PM2: Absent from 1000G, ESP. Extremely low frequency in ExAC and gnomAD ( 0.00001, 0.000004063); PP3: Predicted deleterious in SIFT, Polyphen2, MutationTaster. REVEL=0.975; Analysis of dihydropteridine reductase activity in red blood cells, biopterin loading test and/or pteridine analysis in urine was performed in the Japanese study. Upgraded per ClinGen Metabolic workgroup. (PMID:21307867; PMID:24078561; PMID:26503515). In summary this variant meets criteria to be classified as uncertain significance for phenylketonuria in an autosomal recessive manner based on the ACMG/AMP criteria applied as specified by the PAH Expert Panel: (PM2, PP3, PP4_Moderate).

Women's Health and Genetics/Laboratory Corporation of America, LabCorp
Classification: Pathogenic for Phenylketonuria. Last evaluated: 2025-10-15. Review status: criteria provided, single submitter. Criteria: LabCorp Variant Classification Summary - May 2015. Collection method: clinical testing. Allele origin: germline. Not counted in ClinVar's aggregate classification.
Comment: Variant summary: PAH c.800A>T (p.Gln267Leu) results in a non-conservative amino acid change in the encoded protein sequence. Algorithms developed to predict the effect of missense changes on protein structure and function all suggest that this variant is likely to be disruptive. The variant allele was found at a frequency of 4e-06 in 251368 control chromosomes. c.800A>T has been observed in individuals affected with Phenylalanine Hydroxylase Deficiency (Phenylketonuria) (e.g. Li_2015, Li_2018, Odagiri_2021, Okano_2011, Su_2019, Zhang_2013). These data indicate that the variant may be associated with disease. To our knowledge, no experimental evidence demonstrating an impact on protein function has been reported. Different variants affecting the same codon (c.801G>C, p.Gln267His; c.800A>G, p.Gln267Arg; c.799C>G, p.Gln267Glu) have been classified as Pathogenic/Likely pathogenic in ClinVar, suggesting a critical role of codon 267 to PAH protein function. The following publications have been ascertained in the context of this evaluation (PMID: 26503515, 30050108, 33803550, 21307867, 31355225, 24078561). ClinVar contains an entry for this variant (Variation ID: 225135). Based on the evidence outlined above, the variant was classified as pathogenic.

Labcorp Genetics (formerly Invitae), Labcorp
Classification: Pathogenic for Phenylketonuria. Last evaluated: 2021-10-08. Review status: criteria provided, single submitter. Criteria: Invitae Variant Classification Sherloc (09022015). Collection method: clinical testing. Allele origin: germline. Not counted in ClinVar's aggregate classification.
Comment: For these reasons, this variant has been classified as Pathogenic. This variant disrupts the p.Gln267 amino acid residue in PAH. Other variant(s) that disrupt this residue have been observed in individuals with PAH-related conditions (PMID: 32668217), which suggests that this may be a clinically significant amino acid residue. Advanced modeling of protein sequence and biophysical properties (such as structural, functional, and spatial information, amino acid conservation, physicochemical variation, residue mobility, and thermodynamic stability) performed at Invitae indicates that this missense variant is expected to disrupt PAH protein function. ClinVar contains an entry for this variant (Variation ID: 225135). This missense change has been observed in individual(s) with hyperphenylalaninemia (PMID: 21307867, 24078561, 26503515, 31355225, 32668217). This variant is present in population databases (rs778154939, ExAC 0.01%). This sequence change replaces glutamine with leucine at codon 267 of the PAH protein (p.Gln267Leu). The glutamine residue is highly conserved and there is a moderate physicochemical difference between glutamine and leucine.

Department of Prenatal Diagnosis,  Women’s Hospital of Nanjing Medical University, Nanjing Women and Children’s Healthcare Hospital
Classification: Likely pathogenic for Phenylketonuria. Last evaluated: 2013-10-01. Review status: no assertion criteria provided. Collection method: clinical testing. Allele origin: paternal. Affected: yes. Observed: 1 variant allele, 1 heterozygote, 1 compound heterozygote. Not counted in ClinVar's aggregate classification.
Comment: This variant was reported to be a novel likely pathogenic mutation for the first time by us.

Literature cited by the submitters: PubMed 21307867 (cited by 3 submitters); PubMed 26503515 (cited by 3 submitters); PubMed 24078561 (cited by 4 submitters); PubMed 30050108 (cited by Women's Health and Genetics/Laboratory Corporation of America, LabCorp); PubMed 31355225 (cited by Women's Health and Genetics/Laboratory Corporation of America, LabCorp and Labcorp Genetics (formerly Invitae), Labcorp); PubMed 33803550 (cited by Women's Health and Genetics/Laboratory Corporation of America, LabCorp); PubMed 32668217 (cited by Labcorp Genetics (formerly Invitae), Labcorp).